The following is an entry in ClinVar:

ClinVar aggregate classification (germline): Uncertain significance (1 of 4 stars; one submission).

Conditions:
Kabuki syndrome. Also called: Kabuki make-up syndrome; NIIKAWA-KUROKI SYNDROME. Identifiers: Orphanet 2322, MedGen C0796004, MONDO:0016512.

Allele frequency attached by ClinVar (database versions not stated): gnomAD exomes below 0.00001.
gnomAD v4.1: 1 of 1,611,250 alleles (0.000062%); highest among the groups gnomAD compares: Non-Finnish European, 0.000085%; no homozygotes.

Submission:

Labcorp Genetics (formerly Invitae), Labcorp
Classification: Uncertain significance for Kabuki syndrome. Last evaluated: 2022-08-29. Review status: criteria provided, single submitter. Criteria: Invitae Variant Classification Sherloc (09022015). Collection method: clinical testing. Allele origin: germline.
Comment: Advanced modeling of protein sequence and biophysical properties (such as structural, functional, and spatial information, amino acid conservation, physicochemical variation, residue mobility, and thermodynamic stability) performed at Invitae indicates that this missense variant is not expected to disrupt KMT2D protein function. In summary, the available evidence is currently insufficient to determine the role of this variant in disease. Therefore, it has been classified as a Variant of Uncertain Significance. This variant has not been reported in the literature in individuals affected with KMT2D-related conditions. This variant is not present in population databases (gnomAD no frequency). This sequence change replaces tyrosine, which is neutral and polar, with cysteine, which is neutral and slightly polar, at codon 5349 of the KMT2D protein (p.Tyr5349Cys).

NM_003482.4(KMT2D):c.16046A>G (p.Tyr5349Cys)

Gene: KMT2D (lysine methyltransferase 2D; minus strand). Cytogenetic location: 12q13.12.
Variant type: single nucleotide variant.
Coding change: c.16046A>G on transcript NM_003482.4 (MANE Select); coding-DNA position 16046, A replaced by G.
Protein change: p.Tyr5349Cys; replaces tyrosine 5349 with cysteine.
Molecular consequence: missense variant.
Genome position (GRCh38, 1-based): chr12:49,024,584, T>C on the plus strand (A>G on the coding strand, the complement: KMT2D is on the minus strand). VCF-style: chr12-49024584-T-C. GRCh37 (hg19) VCF-style: chr12-49418367-T-C.
Other names: short protein forms Y5349C.
Identifiers: ClinVar variation 2420255 (VCV002420255.6), dbSNP rs2499030427, ClinGen allele CA384681094.